The following is an entry in ClinVar:

ClinVar aggregate classification (germline): Uncertain significance (1 of 4 stars; one submission).

Allele frequency attached by ClinVar (database versions not stated): gnomAD 0.00001; gnomAD exomes 0.00001; TOPMed 0.00001.
gnomAD v4.1: 8 of 1,613,660 alleles (0.0005%); highest among the groups gnomAD compares: Non-Finnish European, 0.00068%; no homozygotes.

Submission:

Labcorp Genetics (formerly Invitae), Labcorp
Classification: Uncertain significance. Last evaluated: 2025-04-08. Review status: criteria provided, single submitter. Criteria: Invitae Variant Classification Sherloc (09022015). Collection method: clinical testing. Allele origin: germline.
Comment: This sequence change replaces threonine, which is neutral and polar, with proline, which is neutral and non-polar, at codon 1785 of the USH2A protein (p.Thr1785Pro). This variant is present in population databases (no rsID available, gnomAD 0.007%). This variant has not been reported in the literature in individuals affected with USH2A-related conditions. ClinVar contains an entry for this variant (Variation ID: 2184674). Invitae Evidence Modeling of protein sequence and biophysical properties (such as structural, functional, and spatial information, amino acid conservation, physicochemical variation, residue mobility, and thermodynamic stability) indicates that this missense variant is not expected to disrupt USH2A protein function with a negative predictive value of 95%. In summary, the available evidence is currently insufficient to determine the role of this variant in disease. Therefore, it has been classified as a Variant of Uncertain Significance.

NM_206933.4(USH2A):c.5353A>C (p.Thr1785Pro)

Genes: USH2A (usherin; minus strand), USH2A-AS2 (USH2A antisense RNA 2; plus strand). Cytogenetic location: 1q41.
Variant type: single nucleotide variant.
Coding change: c.5353A>C on transcript NM_206933.4 (MANE Select); coding-DNA position 5353, A replaced by C.
Protein change: p.Thr1785Pro; replaces threonine 1785 with proline.
Molecular consequence: missense variant.
Genome position (GRCh38, 1-based): chr1:216,078,308, T>G on the plus strand (A>C on the coding strand, the complement: USH2A is on the minus strand). VCF-style: chr1-216078308-T-G. GRCh37 (hg19) VCF-style: chr1-216251650-T-G.
Other names: short protein forms T1785P.
Identifiers: ClinVar variation 2184674 (VCV002184674.2), dbSNP rs1001127150, ClinGen allele CA37441516.
Genomic context (GRCh38, chr1:216,078,308, plus strand): 5'-TAATGACTTTATTCCACTTTCCATTACAATAGGATAGCCCCAGCAATAGATCCACTTGTG[T>G]AAAGGCAAGACTGGTATTTAACCGGAAGGTCAATATTCCACTTTTCAGCTCCATCTGTAT-3'
Protein context (NP_996816.3, residues 1775-1795): TFRLNTSLAF[Thr1785Pro]QVDLLLGLSY